The following is an entry in ClinVar:

ClinVar aggregate classification (germline): Uncertain significance (1 of 4 stars; one submission).

Conditions:
Cardiovascular phenotype. Identifiers: MedGen CN230736.

Submission:

Ambry Genetics
Classification: Uncertain significance for Cardiovascular phenotype. Last evaluated: 2021-11-09. Review status: criteria provided, single submitter. Criteria: Ambry Variant Classification Scheme 2023. Collection method: clinical testing. Allele origin: germline.
Comment: The p.P64R variant (also known as c.191C>G), located in coding exon 2 of the TBX1 gene, results from a C to G substitution at nucleotide position 191. The proline at codon 64 is replaced by arginine, an amino acid with dissimilar properties. This amino acid position is conserved. In addition, this alteration is predicted to be tolerated by in silico analysis. Since supporting evidence is limited at this time, the clinical significance of this alteration remains unclear.

NM_001379200.1(TBX1):c.218C>G (p.Pro73Arg)

Gene: TBX1 (T-box transcription factor 1; plus strand). Cytogenetic location: 22q11.21.
Variant type: single nucleotide variant.
Coding change: c.218C>G on transcript NM_001379200.1 (MANE Select); coding-DNA position 218, C replaced by G.
Protein change: p.Pro73Arg; replaces proline 73 with arginine.
Molecular consequence: missense variant.
Genome position (GRCh38, 1-based): chr22:19,761,061, C>G. VCF-style: chr22-19761061-C-G. GRCh37 (hg19) VCF-style: chr22-19748584-C-G.
Other names: c.191C>G, p.Pro64Arg (NM_005992.1, NM_080646.2, NM_080647.1); short protein forms P64R, P73R.
Identifiers: ClinVar variation 1782631 (VCV001782631.2), dbSNP rs1936642852, ClinGen allele CA410681396.